The following is an entry in ClinVar:

NM_172351.3(CD46):c.736T>A (p.Phe246Ile)

Gene: CD46 (CD46 molecule; plus strand). Cytogenetic location: 1q32.2.
Variant type: single nucleotide variant.
Coding change: c.736T>A on transcript NM_172351.3 (MANE Select); coding-DNA position 736, T replaced by A.
Protein change: p.Phe246Ile; replaces phenylalanine 246 with isoleucine.
Molecular consequence: missense variant.
Genome position (GRCh38, 1-based): chr1:207,767,075, T>A. VCF-style: chr1-207767075-T-A. GRCh37 (hg19) VCF-style: chr1-207940420-T-A.
Other names: c.736T>A, p.Phe246Ile (NM_002389.4, NM_153826.4, NM_172350.3 and 8 more transcripts); short protein forms F246I.
Identifiers: ClinVar variation 4291179 (VCV004291179.2).
Genomic context (GRCh38, chr1:207,767,075, plus strand): 5'-GTCAAATGTCGATTTCCAGTAGTCGAAAATGGAAAACAGATATCAGGATTTGGAAAAAAA[T>A]TTTACTACAAAGCAACAGTTATGTTTGAATGCGATAAGGGTTTTTACCTCGATGGCAGCG-3'
Protein context (NP_758861.1, residues 236-256): GKQISGFGKK[Phe246Ile]YYKATVMFEC

ClinVar aggregate classification (germline): Likely pathogenic (1 of 4 stars; one submission).

Conditions:
Atypical hemolytic-uremic syndrome. Identifiers: Orphanet 2134, MedGen C2931788, MONDO:0016244.

gnomAD v4.1: 1 of 1,613,638 alleles (0.000062%); highest among the groups gnomAD compares: Non-Finnish European, 0.000085%; no homozygotes.

Submission:

Genomenon, Inc
Classification: Likely pathogenic for Atypical hemolytic-uremic syndrome. Last evaluated: 2026-09-17. Review status: criteria provided, single submitter. Criteria: Genomenon Sequence Variant Interpretation Standards - Updated. Collection method: curation. Allele origin: germline. Affected: yes.
Comment: CD46 p.Phe246Ile (c.736T>A) is a missense variant that changes the amino acid at codon 246 from phenylalanine to isoleucine. This variant has been observed in at least one proband affected with atypical hemolytic-uremic syndrome (PMID:36421183;29500241;33238263). This variant is located in a mutational hotspot and/or important functional domain. It is absent or not present at a significant frequency in gnomAD. In silico models predict that this variant is not damaging. In conclusion, we classify CD46 p.Phe246Ile (c.736T>A) as a likely pathogenic variant.

Literature cited by the submitters: PubMed 36421183; PubMed 29500241; PubMed 33238263.